The following is an entry in ClinVar:

ClinVar aggregate classification (germline): Pathogenic (1 of 4 stars; one submission).

Conditions:
Junctional epidermolysis bullosa gravis of Herlitz. Also called: Epidermolysis Bullosa Letalis; EPIDERMOLYSIS BULLOSA JUNCTIONALIS, HERLITZ TYPE; EPIDERMOLYSIS BULLOSA, JUNCTIONAL, HERLITZ-PEARSON TYPE; JEB-HERLITZ TYPE; Herlitz-type junctional epidermolysis bullosa; EPIDERMOLYSIS BULLOSA, JUNCTIONAL 1B, SEVERE. Identifiers: Orphanet 79404, MedGen C0079683, MONDO:0009182, OMIM 226700.

Submission:

Foundation for Research in Genetics and Endocrinology, FRIGE's Institute of Human Genetics
Classification: Pathogenic for Junctional epidermolysis bullosa gravis of Herlitz. Last evaluated: 2020-03-14. Review status: criteria provided, single submitter. Criteria: ACMG Guidelines, 2015. Collection method: clinical testing. Allele origin: germline. Inheritance: Autosomal recessive inheritance. Affected: no. Observed: 1 heterozygote.
Comment: A heterozygous nonsense variation in exon 13 of the LAMB3 gene that results in a stop codon and premature truncation of the protein at codon 647 was detected. The observed variant c.1939G>T (p.Glu647Ter) has not been reported in the 1000 genomes and ExAC databases. The in silico prediction of the variant is damaging by MutationTaster2. The reference codon is conserved across species. In summary, the variant meets our criteria to be classified as pathogenic.

NM_000228.3(LAMB3):c.1939G>T (p.Glu647Ter)

Gene: LAMB3 (laminin subunit beta 3; minus strand). Cytogenetic location: 1q32.2.
Variant type: single nucleotide variant.
Coding change: c.1939G>T on transcript NM_000228.3 (MANE Select); coding-DNA position 1939, G replaced by T.
Protein change: p.Glu647Ter; replaces glutamic acid 647 with a stop codon.
Molecular consequence: nonsense.
Genome position (GRCh38, 1-based): chr1:209,625,685, C>A on the plus strand (G>T on the coding strand, the complement: LAMB3 is on the minus strand). VCF-style: chr1-209625685-C-A. GRCh37 (hg19) VCF-style: chr1-209799030-C-A.
Other names: c.1939G>T, p.Glu647Ter (NM_001017402.2, NM_001127641.1); short protein forms E647*.
Identifiers: ClinVar variation 918057 (VCV000918057.3), dbSNP rs1666408900, ClinGen allele CA344589090.